The following is an entry in ClinVar:

NM_001852.4(COL9A2):c.1288-12C>T

Gene: COL9A2 (collagen type IX alpha 2 chain; minus strand). Cytogenetic location: 1p34.2.
Variant type: single nucleotide variant.
Coding change: c.1288-12C>T on transcript NM_001852.4 (MANE Select); 12 bases into the intron before coding-DNA position 1288, C replaced by T.
Molecular consequence: intron variant.
Genome position (GRCh38, 1-based): chr1:40,304,111, G>A on the plus strand (C>T on the coding strand, the complement: COL9A2 is on the minus strand). VCF-style: chr1-40304111-G-A. GRCh37 (hg19) VCF-style: chr1-40769783-G-A.
Identifiers: ClinVar variation 258370 (VCV000258370.24), dbSNP rs77695700, ClinGen allele CA791500.
Genomic context (GRCh38, chr1:40,304,111, plus strand): 5'-TGCTGGAACTCACCACTTTGCCGCGGGGCCCGGTCTTCCCTGGGGAGCCCTGGAGAAAGC[G>A]GGCAGTGAGGGGTTTGGCGAGCTCCCCCCTCCACGGGGTCCCCCACCTAACTTTCGGCCA-3'

ClinVar aggregate classification (germline): Benign/Likely benign. Review status: criteria provided, multiple submitters, no conflicts (2 of 4 stars). 10 submissions from 10 submitters: Benign (7); Likely benign (1). 2 of the submissions do not count toward it. Last evaluated 2026-05-09.

Conditions:
Epiphyseal dysplasia, multiple, 2 (EDM2). Also called: COL9A2-Related Multiple Epiphyseal Dysplasia. Identifiers: MedGen C1838429, MONDO:0010844, OMIM 600204.

Allele frequency attached by ClinVar (database versions not stated): ESP Exome Variant Server 0.01913; gnomAD 0.02575 and 0.02959; TOPMed 0.02968; gnomAD exomes 0.05152; 1000 Genomes Project 30x 0.06418; 1000 Genomes Project 0.06989; ExAC 0.08105.
gnomAD v4.1: 51,478 of 1,548,576 alleles (3.3%); highest among the groups gnomAD compares: East Asian, 15%; 1,423 homozygotes.

Submissions (10):

Women's Health and Genetics/Laboratory Corporation of America, LabCorp
Classification: Benign. Last evaluated: 2026-05-09. Review status: criteria provided, single submitter. Criteria: LabCorp Variant Classification Summary - May 2015. Collection method: clinical testing. Allele origin: germline.

Labcorp Genetics (formerly Invitae), Labcorp
Classification: Benign. Last evaluated: 2026-02-04. Review status: criteria provided, single submitter. Criteria: Invitae Variant Classification Sherloc (09022015). Collection method: clinical testing. Allele origin: germline.

Blueprint Genetics
Classification: Likely benign. Last evaluated: 2024-11-26. Review status: criteria provided, single submitter. Criteria: ACMG Guidelines, 2015. Collection method: clinical testing. Allele origin: germline.

Illumina Laboratory Services, Illumina
Classification: Benign for Epiphyseal dysplasia, multiple, 2. Last evaluated: 2018-01-12. Review status: criteria provided, single submitter. Criteria: ICSL Variant Classification Criteria 13 December 2019. Collection method: clinical testing. Allele origin: germline.
Comment: This variant was observed in the ICSL laboratory as part of a predisposition screen in an ostensibly healthy population. It had not been previously curated by ICSL or reported in the Human Gene Mutation Database (HGMD: prior to June 1st, 2018), and was therefore a candidate for classification through an automated scoring system. Utilizing variant allele frequency, disease prevalence and penetrance estimates, and inheritance mode, an automated score was calculated to assess if this variant is too frequent to cause the disease. Based on the score and internal cut-off values, a variant classified as benign is not then subjected to further curation. The score for this variant resulted in a classification of benign for this disease.

GeneDx
Classification: Benign. Last evaluated: 2016-10-25. Review status: criteria provided, single submitter. Criteria: GeneDx Variant Classification (06012015). Collection method: clinical testing. Allele origin: germline. Affected: yes.
Comment: This variant is considered likely benign or benign based on one or more of the following criteria: it is a conservative change, it occurs at a poorly conserved position in the protein, it is predicted to be benign by multiple in silico algorithms, and/or has population frequency not consistent with disease.

Eurofins Ntd Llc (ga)
Classification: Benign. Last evaluated: 2016-07-20. Review status: criteria provided, single submitter. Criteria: EGL Classification Definitions 2015. Collection method: clinical testing. Allele origin: germline. Observed: 1 variant allele, 1 heterozygote.

Breakthrough Genomics
Classification: Benign. Review status: criteria provided, single submitter. Criteria: ACMG Guidelines, 2015. Collection method: not provided. Allele origin: germline. Inheritance: Autosomal recessive inheritance. Affected: yes.

PreventionGenetics, part of Exact Sciences
Classification: Benign. Review status: criteria provided, single submitter. Criteria: ACMG Guidelines, 2015. Collection method: clinical testing. Allele origin: germline.

Genome Diagnostics Laboratory, Amsterdam University Medical Center
Classification: Benign. Review status: no assertion criteria provided. Collection method: clinical testing. Allele origin: germline. Affected: yes. Study: VKGL Data-share Consensus. Not counted in ClinVar's aggregate classification.

Joint Genome Diagnostic Labs from Nijmegen and Maastricht, Radboudumc and MUMC+
Classification: Benign. Review status: no assertion criteria provided. Collection method: clinical testing. Allele origin: germline. Affected: yes. Study: VKGL Data-share Consensus. Not counted in ClinVar's aggregate classification.